The following is an entry in ClinVar:

ClinVar aggregate classification (germline): Uncertain significance (1 of 4 stars; one submission).

Submission:

GeneDx
Classification: Uncertain significance. Last evaluated: 2024-09-06. Review status: criteria provided, single submitter. Criteria: GeneDx Variant Classification Process June 2021. Collection method: clinical testing. Allele origin: germline. Affected: yes.
Comment: Not observed at significant frequency in large population cohorts (gnomAD); In silico analysis indicates that this missense variant does not alter protein structure/function; Has not been previously published as pathogenic or benign to our knowledge

NM_130837.3(OPA1):c.2224G>A (p.Glu742Lys)

Gene: OPA1 (OPA1 mitochondrial dynamin like GTPase; plus strand). Cytogenetic location: 3q29.
Variant type: single nucleotide variant.
Coding change: c.2224G>A on transcript NM_130837.3 (MANE Select); coding-DNA position 2224, G replaced by A.
Protein change: p.Glu742Lys; replaces glutamic acid 742 with lysine.
Molecular consequence: missense variant.
Genome position (GRCh38, 1-based): chr3:193,657,125, G>A. VCF-style: chr3-193657125-G-A. GRCh37 (hg19) VCF-style: chr3-193374914-G-A.
Other names: c.1690G>A, p.Glu564Lys (NM_001354663.2); c.1687G>A, p.Glu563Lys (NM_001354664.2); c.2059G>A, p.Glu687Lys (NM_015560.3); c.1951G>A, p.Glu651Lys (NM_130831.3); c.2005G>A, p.Glu669Lys (NM_130832.3); c.2062G>A, p.Glu688Lys (NM_130833.3); c.2113G>A, p.Glu705Lys (NM_130834.3); c.2116G>A, p.Glu706Lys (NM_130835.3); and 1 more; short protein forms E563K, E564K, E651K, E669K, E687K, E688K, E705K, E706K.
Identifiers: ClinVar variation 3767849 (VCV003767849.1).